The following is an entry in ClinVar:

ClinVar aggregate classification (germline): Uncertain significance (1 of 4 stars; one submission).

Conditions:
Hereditary cancer-predisposing syndrome. Also called: Neoplastic Syndromes, Hereditary; Tumor predisposition; Hereditary Cancer Syndrome; Hereditary neoplastic syndrome. Identifiers: Orphanet 140162, MedGen C0027672, MeSH D009386, MONDO:0015356.

gnomAD v4.1: 1 of 1,613,714 alleles (0.000062%); no homozygotes.

Submission:

Ambry Genetics
Classification: Uncertain significance for Hereditary cancer-predisposing syndrome. Last evaluated: 2025-10-22. Review status: criteria provided, single submitter. Criteria: Ambry Variant Classification Scheme 2023. Collection method: clinical testing. Allele origin: germline.
Comment: The p.K305R variant (also known as c.914A>G), located in coding exon 4 of the BARD1 gene, results from an A to G substitution at nucleotide position 914. The lysine at codon 305 is replaced by arginine, an amino acid with highly similar properties. This amino acid position is conserved. In addition, this alteration is predicted to be tolerated by in silico analysis. Based on the available evidence, the clinical significance of this variant remains unclear.

NM_000465.4(BARD1):c.914A>G (p.Lys305Arg)

Gene: BARD1 (BRCA1 associated RING domain 1; minus strand). Cytogenetic location: 2q35.
Variant type: single nucleotide variant.
Coding change: c.914A>G on transcript NM_000465.4 (MANE Select); coding-DNA position 914, A replaced by G.
Protein change: p.Lys305Arg; replaces lysine 305 with arginine.
Molecular consequence: missense variant. On other transcripts: non-coding transcript variant (2), intron variant (3).
Genome position (GRCh38, 1-based): chr2:214,780,960, T>C on the plus strand (A>G on the coding strand, the complement: BARD1 is on the minus strand). VCF-style: chr2-214780960-T-C. GRCh37 (hg19) VCF-style: chr2-215645684-T-C.
Other names: c.857A>G, p.Lys286Arg (NM_001282543.2); c.159-28405A>G (NM_001282548.2); c.215+16101A>G (NM_001282545.2); c.364+11337A>G (NM_001282549.2); short protein forms K286R, K305R.
Identifiers: ClinVar variation 4621390 (VCV004621390.1).